The following is an entry in ClinVar:

NM_177559.3(CSNK2A1):c.514C>T (p.Arg172Ter)

Gene: CSNK2A1 (casein kinase 2 alpha 1; minus strand). Cytogenetic location: 20p13.
Variant type: single nucleotide variant.
Coding change: c.514C>T on transcript NM_177559.3 (MANE Select); coding-DNA position 514, C replaced by T.
Protein change: p.Arg172Ter; replaces arginine 172 with a stop codon.
Molecular consequence: nonsense.
Genome position (GRCh38, 1-based): chr20:492,361, G>A on the plus strand (C>T on the coding strand, the complement: CSNK2A1 is on the minus strand). VCF-style: chr20-492361-G-A. GRCh37 (hg19) VCF-style: chr20-473005-G-A.
Other names: c.514C>T, p.Arg172Ter (NM_001362770.2, NM_001362771.2, NM_001895.4); c.106C>T, p.Arg36Ter (NM_177560.3); short protein forms R172*, R36*.
Identifiers: ClinVar variation 4880551 (VCV004880551.2).

ClinVar aggregate classification (germline): Likely pathogenic (1 of 4 stars; one submission).

Conditions:
Okur-Chung neurodevelopmental syndrome (OCNDS). Identifiers: Orphanet 689422, MedGen C4310739, MONDO:0014893, OMIM 617062.

gnomAD v4.1: 1 of 1,613,856 alleles (0.000062%); highest among the groups gnomAD compares: Admixed American, 0.0017%; no homozygotes.

Submission:

Dasa
Classification: Likely pathogenic for Okur-Chung neurodevelopmental syndrome. Last evaluated: 2025-09-15. Review status: criteria provided, single submitter. Criteria: DASA Assertion Criteria. Collection method: clinical testing. Allele origin: germline.
Comment: NM_177559.3(CSNK2A1):c.514C>T (p.Arg172*) is a nonsense variant in CSNK2A1 predicted to introduce a premature termination codon and is predicted to result in an absent or altered protein product. Loss of function is an established disease mechanism for CSNK2A1-associated disorders. Also, this variant is rare in population databases. Based on the currently available evidence, this variant is classified as likely pathogenic.